The following is an entry in ClinVar:

ClinVar aggregate classification (germline): Uncertain significance (1 of 4 stars; one submission).

Conditions:
Intellectual developmental disorder, autosomal dominant 1. Also called: MBD5 Haploinsufficiency; Intellectual disability, autosomal dominant 1. Identifiers: Orphanet 228402, MedGen C1969562, MONDO:0007974, OMIM 156200.

Submission:

Labcorp Genetics (formerly Invitae), Labcorp
Classification: Uncertain significance for Intellectual developmental disorder, autosomal dominant 1. Last evaluated: 2025-12-22. Review status: criteria provided, single submitter. Criteria: Invitae Variant Classification Sherloc (09022015). Collection method: clinical testing. Allele origin: germline.
Comment: This sequence change replaces alanine, which is neutral and non-polar, with threonine, which is neutral and polar, at codon 1461 of the MBD5 protein (p.Ala1461Thr). This variant is not present in population databases (gnomAD no frequency). This variant has not been reported in the literature in individuals affected with MBD5-related conditions. Experimental studies and prediction algorithms are not available or were not evaluated, and the functional significance of this variant is currently unknown. In summary, the available evidence is currently insufficient to determine the role of this variant in disease. Therefore, it has been classified as a Variant of Uncertain Significance.

NM_001378120.1(MBD5):c.5080G>A (p.Ala1694Thr)

Gene: MBD5 (methyl-CpG binding domain protein 5; plus strand). Cytogenetic location: 2q23.1.
Variant type: single nucleotide variant.
Coding change: c.5080G>A on transcript NM_001378120.1 (MANE Select); coding-DNA position 5080, G replaced by A.
Protein change: p.Ala1694Thr; replaces alanine 1694 with threonine.
Molecular consequence: missense variant.
Genome position (GRCh38, 1-based): chr2:148,510,103, G>A. VCF-style: chr2-148510103-G-A. GRCh37 (hg19) VCF-style: chr2-149267672-G-A.
Other names: c.5119G>A, p.Ala1707Thr (NM_001438854.1); c.4420G>A, p.Ala1474Thr (NM_001438855.1); c.5080G>A, p.Ala1694Thr (NM_001438856.1, NM_001438857.1, NM_001438858.1); c.4381G>A, p.Ala1461Thr (NM_001438859.1, NM_001438860.1, NM_001438861.1 and 2 more transcripts); short protein forms A1707T, A1461T, A1694T, A1474T.
Identifiers: ClinVar variation 4743546 (VCV004743546.1).